The following is an entry in ClinVar:

NM_000059.4(BRCA2):c.1661G>A (p.Cys554Tyr)

Gene: BRCA2 (BRCA2 DNA repair associated; plus strand). Cytogenetic location: 13q13.1.
Variant type: single nucleotide variant.
Coding change: c.1661G>A on transcript NM_000059.4 (MANE Select); coding-DNA position 1661, G replaced by A.
Protein change: p.Cys554Tyr; replaces cysteine 554 with tyrosine.
Molecular consequence: missense variant.
Genome position (GRCh38, 1-based): chr13:32,333,139, G>A. VCF-style: chr13-32333139-G-A. GRCh37 (hg19) VCF-style: chr13-32907276-G-A.
Other names: short protein forms C554Y.
Identifiers: ClinVar variation 628300 (VCV000628300.54), dbSNP rs748215651, ClinGen allele CA6940531.

ClinVar aggregate classification (germline): Conflicting classifications of pathogenicity. Review status: criteria provided, conflicting classifications (1 of 4 stars). 8 submissions from 8 submitters: Uncertain significance (7); Likely benign (1). Last evaluated 2024-09-03.

Conditions:
Hereditary cancer-predisposing syndrome. Also called: Hereditary Cancer Syndrome; Tumor predisposition; Hereditary neoplastic syndrome; Neoplastic Syndromes, Hereditary. Identifiers: Orphanet 140162, MedGen C0027672, MeSH D009386, MONDO:0015356.
Hereditary breast ovarian cancer syndrome. Also called: Hereditary breast and ovarian cancer syndrome; Hereditary breast and ovarian cancer; Hereditary breast and ovarian cancer syndrome (HBOC); Hereditary breast and/or ovarian cancer syndrome; Breast and ovarian cancer; BRCA1- and BRCA2-Associated Hereditary Breast and Ovarian Cancer. Identifiers: Orphanet 145, MedGen C0677776, MeSH D061325, MONDO:0003582. Disease mechanism: loss of function.

Allele frequency attached by ClinVar (database versions not stated): gnomAD exomes below 0.00001; TOPMed below 0.00001; ExAC 0.00001.
gnomAD v4.1: 2 of 1,614,124 alleles (0.00012%); highest among the groups gnomAD compares: Non-Finnish European, 0.00017%; no homozygotes.

Submissions (8):

Women's Health and Genetics/Laboratory Corporation of America, LabCorp
Classification: Uncertain significance. Last evaluated: 2024-09-03. Review status: criteria provided, single submitter. Criteria: LabCorp Variant Classification Summary - May 2015. Collection method: clinical testing. Allele origin: germline.

Labcorp Genetics (formerly Invitae), Labcorp
Classification: Uncertain significance for Hereditary breast ovarian cancer syndrome. Last evaluated: 2024-04-15. Review status: criteria provided, single submitter. Criteria: Invitae Variant Classification Sherloc (09022015). Collection method: clinical testing. Allele origin: germline.
Comment: This sequence change replaces cysteine, which is neutral and slightly polar, with tyrosine, which is neutral and polar, at codon 554 of the BRCA2 protein (p.Cys554Tyr). This variant is present in population databases (rs748215651, gnomAD 0.0009%). This variant has not been reported in the literature in individuals affected with BRCA2-related conditions. ClinVar contains an entry for this variant (Variation ID: 628300). Advanced modeling of protein sequence and biophysical properties (such as structural, functional, and spatial information, amino acid conservation, physicochemical variation, residue mobility, and thermodynamic stability) performed at Invitae indicates that this missense variant is not expected to disrupt BRCA2 protein function with a negative predictive value of 95%. In summary, the available evidence is currently insufficient to determine the role of this variant in disease. Therefore, it has been classified as a Variant of Uncertain Significance.

Color Diagnostics, LLC DBA Color Health
Classification: Uncertain significance for Hereditary cancer-predisposing syndrome. Last evaluated: 2023-12-05. Review status: criteria provided, single submitter. Criteria: ACMG Guidelines, 2015. Collection method: clinical testing. Allele origin: germline.
Comment: This missense variant replaces cysteine with tyrosine at codon 554 of the BRCA2 protein. Computational prediction suggests that this variant may not impact protein structure and function (internally defined REVEL score threshold <= 0.5, PMID: 27666373). To our knowledge, functional studies have not been reported for this variant. This variant has not been reported in individuals affected with BRCA2-related disorders in the literature. This variant has been identified in 1/251198 chromosomes in the general population by the Genome Aggregation Database (gnomAD). The available evidence is insufficient to determine the role of this variant in disease conclusively. Therefore, this variant is classified as a Variant of Uncertain Significance.

Quest Diagnostics Nichols Institute San Juan Capistrano
Classification: Uncertain significance. Last evaluated: 2023-04-22. Review status: criteria provided, single submitter. Criteria: Quest Diagnostics criteria. Collection method: clinical testing. Allele origin: unknown.
Comment: The variant has not been reported in individuals affected with BRCA2-related disease in the published literature. The frequency of this variant in the general population, 0.000004 (1/251198 chromosomes), is uninformative in assessment of its pathogenicity. Analysis of this variant using bioinformatics tools for the prediction of the effect of amino acid changes on protein structure and function yielded predictions that this variant is benign. Based on the available information, we are unable to determine the clinical significance of this variant.

University of Washington Department of Laboratory Medicine, University of Washington
Classification: Likely benign for Hereditary cancer-predisposing syndrome. Last evaluated: 2023-03-23. Review status: criteria provided, single submitter. Criteria: Dines et al. (Genet Med. 2020). Collection method: curation. Allele origin: germline.
Comment: Missense variant in a coldspot region where missense variants are very unlikely to be pathogenic (PMID:31911673).

BRCA2 exon 10 coldspot. Reclassification based on statistical prior probability.

Ambry Genetics
Classification: Uncertain significance for Hereditary cancer-predisposing syndrome. Last evaluated: 2022-11-23. Review status: criteria provided, single submitter. Criteria: Ambry Variant Classification Scheme 2023. Collection method: clinical testing. Allele origin: germline.
Comment: The p.C554Y variant (also known as c.1661G>A), located in coding exon 9 of the BRCA2 gene, results from a G to A substitution at nucleotide position 1661. The cysteine at codon 554 is replaced by tyrosine, an amino acid with highly dissimilar properties. This amino acid position is well conserved in available vertebrate species. In addition, this alteration is predicted to be tolerated by in silico analysis. Since supporting evidence is limited at this time, the clinical significance of this alteration remains unclear.

GeneDx
Classification: Uncertain significance. Last evaluated: 2022-11-02. Review status: criteria provided, single submitter. Criteria: GeneDx Variant Classification Process June 2021. Collection method: clinical testing. Allele origin: germline. Affected: yes.
Comment: Not observed at significant frequency in large population cohorts (gnomAD); In silico analysis supports that this missense variant does not alter protein structure/function; Has not been previously published as pathogenic or benign to our knowledge; Also known as 1889G>A

CeGaT Center for Human Genetics Tuebingen
Classification: Uncertain significance. Last evaluated: 2022-07-01. Review status: criteria provided, single submitter. Criteria: CeGaT Center For Human Genetics Tuebingen Variant Classification Criteria Version 2. Collection method: clinical testing. Allele origin: germline. Affected: yes. Observed: 2 variant alleles.
Comment: BRCA2: PM2, BP1, BP4

Literature cited by the submitters: PubMed 31911673 (cited by Quest Diagnostics Nichols Institute San Juan Capistrano); PubMed 29884841 (cited by Quest Diagnostics Nichols Institute San Juan Capistrano).